The following is an entry in ClinVar:

ClinVar aggregate classification (germline): Uncertain significance. Review status: criteria provided, multiple submitters, no conflicts (2 of 4 stars). 2 submissions from 2 submitters: Uncertain significance (2). Last evaluated 2026-06-04.

Conditions:
Inborn genetic diseases. Identifiers: MedGen C0950123, MeSH D030342.

Submissions (2):

Ambry Genetics
Classification: Uncertain significance for Inborn genetic diseases. Last evaluated: 2026-06-04. Review status: criteria provided, single submitter. Criteria: Ambry Variant Classification Scheme 2023. Collection method: clinical testing. Allele origin: germline.

Labcorp Genetics (formerly Invitae), Labcorp
Classification: Uncertain significance. Last evaluated: 2024-03-27. Review status: criteria provided, single submitter. Criteria: Invitae Variant Classification Sherloc (09022015). Collection method: clinical testing. Allele origin: germline.
Comment: This sequence change replaces serine, which is neutral and polar, with threonine, which is neutral and polar, at codon 56 of the DLG3 protein (p.Ser56Thr). This variant is not present in population databases (gnomAD no frequency). This variant has not been reported in the literature in individuals affected with DLG3-related conditions. ClinVar contains an entry for this variant (Variation ID: 1380473). An algorithm developed to predict the effect of missense changes on protein structure and function (PolyPhen-2) suggests that this variant is likely to be tolerated. In summary, the available evidence is currently insufficient to determine the role of this variant in disease. Therefore, it has been classified as a Variant of Uncertain Significance.

NM_021120.4(DLG3):c.166T>A (p.Ser56Thr)

Gene: DLG3 (discs large MAGUK scaffold protein 3; plus strand). Cytogenetic location: Xq13.1.
Variant type: single nucleotide variant.
Coding change: c.166T>A on transcript NM_021120.4 (MANE Select); coding-DNA position 166, T replaced by A.
Protein change: p.Ser56Thr; replaces serine 56 with threonine.
Molecular consequence: missense variant.
Genome position (GRCh38, 1-based): chrX:70,445,367, T>A. VCF-style: chrX-70445367-T-A. GRCh37 (hg19) VCF-style: chrX-69665217-T-A.
Other names: c.166T>A (NM_021120.3); short protein forms S56T.
Identifiers: ClinVar variation 1380473 (VCV001380473.7), dbSNP rs2147764894, ClinGen allele CA413490469.
Genomic context (GRCh38, chrX:70,445,367, plus strand): 5'-CCCGACCCTTACGGGCCAGGTGGGGGCAACGGCGCCAGCGCGGGTTATGGGGGCTACAGC[T>A]CGCAGACCTTGCCCTCGCAGGCGGGGGCCACCCCCACCCCTCGCACCAAGGCCAAGCTCA-3'
Protein context (NP_066943.2, residues 46-66): GASAGYGGYS[Ser56Thr]QTLPSQAGAT